The following is an entry in ClinVar:

NM_000217.3(KCNA1):c.1276C>T (p.Gln426Ter)

Gene: KCNA1 (potassium voltage-gated channel subfamily A member 1; plus strand). Cytogenetic location: 12p13.32.
Variant type: single nucleotide variant.
Coding change: c.1276C>T on transcript NM_000217.3 (MANE Select); coding-DNA position 1276, C replaced by T.
Protein change: p.Gln426Ter; replaces glutamine 426 with a stop codon.
Molecular consequence: nonsense.
Genome position (GRCh38, 1-based): chr12:4,912,654, C>T. VCF-style: chr12-4912654-C-T. GRCh37 (hg19) VCF-style: chr12-5021820-C-T.
Other names: short protein forms Q426*.
Identifiers: ClinVar variation 3655694 (VCV003655694.2).

ClinVar aggregate classification (germline): Uncertain significance (1 of 4 stars; one submission).

Conditions:
Episodic ataxia type 1 (EA1). Also called: ATAXIA, EPISODIC, WITH MYOKYMIA; MYOKYMIA WITH PERIODIC ATAXIA; PAROXYSMAL ATAXIA WITH NEUROMYOTONIA, HEREDITARY; Episodic ataxia/myokymia syndrome. Identifiers: Orphanet 37612, Orphanet 972, MedGen C1719788, MONDO:0008047, OMIM 160120.

Submission:

Labcorp Genetics (formerly Invitae), Labcorp
Classification: Uncertain significance for Episodic ataxia type 1. Last evaluated: 2024-06-05. Review status: criteria provided, single submitter. Criteria: Invitae Variant Classification Sherloc (09022015). Collection method: clinical testing. Allele origin: germline.
Comment: This sequence change creates a premature translational stop signal (p.Gln426*) in the KCNA1 gene. While this is not anticipated to result in nonsense mediated decay, it is expected to disrupt the last 70 amino acid(s) of the KCNA1 protein. This variant is not present in population databases (gnomAD no frequency). This variant has not been reported in the literature in individuals affected with KCNA1-related conditions. Experimental studies and prediction algorithms are not available or were not evaluated, and the functional significance of this variant is currently unknown. In summary, the available evidence is currently insufficient to determine the role of this variant in disease. Therefore, it has been classified as a Variant of Uncertain Significance.